The following is an entry in ClinVar:

NM_001457.4(FLNB):c.2405A>G (p.Asn802Ser)

Gene: FLNB (filamin B; plus strand). Cytogenetic location: 3p14.3.
Variant type: single nucleotide variant.
Coding change: c.2405A>G on transcript NM_001457.4 (MANE Select); coding-DNA position 2405, A replaced by G.
Protein change: p.Asn802Ser; replaces asparagine 802 with serine.
Molecular consequence: missense variant.
Genome position (GRCh38, 1-based): chr3:58,110,091, A>G. VCF-style: chr3-58110091-A-G. GRCh37 (hg19) VCF-style: chr3-58095818-A-G.
Other names: c.2405A>G, p.Asn802Ser (NM_001164317.2, NM_001164318.2, NM_001164319.2); short protein forms N802S.
Identifiers: ClinVar variation 3635708 (VCV003635708.2).

ClinVar aggregate classification (germline): Uncertain significance (1 of 4 stars; one submission).

gnomAD v4.1: 1 of 1,614,144 alleles (0.000062%); highest among the groups gnomAD compares: Non-Finnish European, 0.000085%; no homozygotes.

Submission:

Labcorp Genetics (formerly Invitae), Labcorp
Classification: Uncertain significance. Last evaluated: 2024-06-08. Review status: criteria provided, single submitter. Criteria: Invitae Variant Classification Sherloc (09022015). Collection method: clinical testing. Allele origin: germline.
Comment: This sequence change replaces asparagine, which is neutral and polar, with serine, which is neutral and polar, at codon 802 of the FLNB protein (p.Asn802Ser). This variant is present in population databases (rs753838032, gnomAD 0.0009%). This variant has not been reported in the literature in individuals affected with FLNB-related conditions. Advanced modeling of protein sequence and biophysical properties (such as structural, functional, and spatial information, amino acid conservation, physicochemical variation, residue mobility, and thermodynamic stability) performed at Invitae indicates that this missense variant is not expected to disrupt FLNB protein function with a negative predictive value of 95%. In summary, the available evidence is currently insufficient to determine the role of this variant in disease. Therefore, it has been classified as a Variant of Uncertain Significance.